The following is an entry in ClinVar:

ClinVar aggregate classification (germline): Likely pathogenic (1 of 4 stars; one submission).

Conditions:
Asphyxiating thoracic dystrophy 3. Also called: SHORT-RIB THORACIC DYSPLASIA 3 WITH OR WITHOUT POLYDACTYLY; POLYDACTYLY WITH NEONATAL CHONDRODYSTROPHY, TYPE I; SHORT-RIB THORACIC DYSPLASIA 3/6 WITH POLYDACTYLY, DIGENIC; Short rib polydactyly syndrome 2B; Saldino-Noonan Syndrome. Identifiers: Orphanet 474, Orphanet 93269, Orphanet 93270, Orphanet 93271, MedGen C0036069, MONDO:0013127, OMIM 613091.

Submission:

3billion
Classification: Likely pathogenic for Asphyxiating thoracic dystrophy 3. Last evaluated: 2023-10-30. Review status: criteria provided, single submitter. Criteria: ACMG Guidelines, 2015. Collection method: clinical testing. Allele origin: germline. Affected: yes.
Comment: The variant is not observed in the gnomAD v2.1.1 dataset. Predicted Consequence/Location: Frameshift: predicted to result in a loss or disruption of normal protein function through nonsense-mediated decay (NMD) or protein truncation. Multiple pathogenic variants are reported downstream of the variant. Damaging effect on gene or gene product predicted by in silico programs is uncertain. Therefore, this variant is classified as Likely pathogenic according to the recommendation of ACMG/AMP guideline.

NM_001377.3(DYNC2H1):c.7001del (p.Thr2334fs)

Gene: DYNC2H1 (dynein cytoplasmic 2 heavy chain 1; plus strand). Cytogenetic location: 11q22.3.
Variant type: Deletion.
Coding change: c.7001del on transcript NM_001377.3 (MANE Select); coding-DNA position 7001, one base deleted (C; older notation c.7001delC).
Protein change: p.Thr2334fs; shifts the reading frame from threonine 2334.
Molecular consequence: frameshift variant.
Genome position (GRCh38, 1-based): chr11:103,187,447, C deleted. VCF-style (leftmost placement, unchanged base first): chr11-103187446-AC-A. GRCh37 (hg19) VCF-style: chr11-103058175-AC-A.
Other names: c.7001del, p.Thr2334fs (NM_001080463.2); short protein forms T2334fs.
Identifiers: ClinVar variation 3776162 (VCV003776162.1).